The following is an entry in ClinVar:

ClinVar aggregate classification (germline): Pathogenic (1 of 4 stars; one submission).

Conditions:
Muscular dystrophy-dystroglycanopathy (congenital with brain and eye anomalies), type a, 11 (MDDGA11). Also called: Congenital muscular dystrophy-dystroglycanopathy with brain and eye anomalies, type A11; Muscular dystrophy-dystroglycanopathy (congenital with brain and eye anomalies, type A, 11; WALKER-WARBURG SYNDROME OR MUSCLE-EYE-BRAIN DISEASE, B3GALNT2-RELATED. Identifiers: Orphanet 588, Orphanet 899, MedGen C3554638, MONDO:0014071, OMIM 615181.

Submission:

Labcorp Genetics (formerly Invitae), Labcorp
Classification: Pathogenic for Muscular dystrophy-dystroglycanopathy (congenital with brain and eye anomalies), type a, 11. Last evaluated: 2021-11-04. Review status: criteria provided, single submitter. Criteria: Invitae Variant Classification Sherloc (09022015). Collection method: clinical testing. Allele origin: germline.
Comment: For these reasons, this variant has been classified as Pathogenic. Algorithms developed to predict the effect of sequence changes on RNA splicing suggest that this variant may create or strengthen a splice site. This variant has not been reported in the literature in individuals affected with B3GALNT2-related conditions. This variant is not present in population databases (gnomAD no frequency). This sequence change creates a premature translational stop signal (p.Val252Serfs*49) in the B3GALNT2 gene. It is expected to result in an absent or disrupted protein product. Loss-of-function variants in B3GALNT2 are known to be pathogenic (PMID: 23453667).

Literature cited by the submitters: PubMed 23453667.

NM_152490.5(B3GALNT2):c.753del (p.Val252fs)

Gene: B3GALNT2 (beta-1,3-N-acetylgalactosaminyltransferase 2; minus strand). Cytogenetic location: 1q42.3.
Variant type: Deletion.
Coding change: c.753del on transcript NM_152490.5 (MANE Select); coding-DNA position 753, one base deleted (A; older notation c.753delA).
Protein change: p.Val252fs; shifts the reading frame from valine 252.
Molecular consequence: frameshift variant.
Genome position (GRCh38, 1-based): chr1:235,470,859, T deleted on the plus strand (A on the coding strand, the reverse complement: B3GALNT2 is on the minus strand). VCF-style (leftmost placement, unchanged base first): chr1-235470858-CT-C. GRCh37 (hg19) VCF-style: chr1-235634172-CT-C.
Other names: c.876del, p.Val293fs (NM_001277155.3); short protein forms V293fs, V252fs.
Identifiers: ClinVar variation 1437368 (VCV001437368.6), dbSNP rs2102815215, ClinGen allele CA2573132795.